The following is an entry in ClinVar:

NM_000059.4(BRCA2):c.3631G>A (p.Glu1211Lys)

Gene: BRCA2 (BRCA2 DNA repair associated; plus strand). Cytogenetic location: 13q13.1.
Variant type: single nucleotide variant.
Coding change: c.3631G>A on transcript NM_000059.4 (MANE Select); coding-DNA position 3631, G replaced by A.
Protein change: p.Glu1211Lys; replaces glutamic acid 1211 with lysine.
Molecular consequence: missense variant. On other transcripts: non-coding transcript variant (1), intron variant (2).
Genome position (GRCh38, 1-based): chr13:32,337,986, G>A. VCF-style: chr13-32337986-G-A. GRCh37 (hg19) VCF-style: chr13-32912123-G-A.
Other names: c.3631G>A, p.Glu1211Lys (NM_001406719.1, NM_001406720.1); c.1909+4599G>A (NM_001406721.1); c.425-6572G>A (NM_001406722.1); short protein forms E1211K.
Identifiers: ClinVar variation 3069577 (VCV003069577.2), dbSNP rs886040486, ClinGen allele CA387777608.

ClinVar aggregate classification (germline): Conflicting classifications of pathogenicity. Review status: criteria provided, conflicting classifications (1 of 4 stars). 2 submissions from 2 submitters: Uncertain significance (1); Likely benign (1). Last evaluated 2025-07-17.

Conditions:
Breast-ovarian cancer, familial, susceptibility to, 2 (BROVCA2). Also called: BRCA2 Hereditary Breast and Ovarian Cancer. Identifiers: Orphanet 145, MedGen C2675520, MONDO:0012933, OMIM 612555. Disease mechanism: loss of function.
Hereditary cancer-predisposing syndrome. Also called: Neoplastic Syndromes, Hereditary; Tumor predisposition; Hereditary neoplastic syndrome; Hereditary Cancer Syndrome. Identifiers: Orphanet 140162, MedGen C0027672, MeSH D009386, MONDO:0015356.

Allele frequency attached by ClinVar (database versions not stated): TOPMed below 0.00001; gnomAD 0.00001.
gnomAD v4.1: 1 of 1,613,370 alleles (0.000062%); highest among the groups gnomAD compares: Non-Finnish European, 0.000085%; no homozygotes.

Submissions (2):

Ambry Genetics
Classification: Likely benign for Hereditary cancer-predisposing syndrome. Last evaluated: 2025-07-17. Review status: criteria provided, single submitter. Criteria: Ambry Variant Classification Scheme 2023. Collection method: clinical testing. Allele origin: germline.

All of Us Research Program, National Institutes of Health
Classification: Uncertain significance for Breast-ovarian cancer, familial, susceptibility to, 2. Last evaluated: 2023-02-24. Review status: criteria provided, single submitter. Criteria: ACMG Guidelines, 2015. Collection method: clinical testing. Allele origin: germline. Inheritance: Autosomal dominant inheritance. Observed: 1 variant allele, 1 heterozygote.
Comment: This missense variant replaces glutamic acid with lysine at codon 1211 of the BRCA2 protein. Computational prediction suggests that this variant may not impact protein structure and function (internally defined REVEL score threshold <= 0.5, PMID: 27666373). To our knowledge, functional studies have not been reported for this variant. This variant has not been reported in individuals affected with BRCA2-related disorders in the literature. This variant has not been identified in the general population by the Genome Aggregation Database (gnomAD). The available evidence is insufficient to determine the role of this variant in disease conclusively. Therefore, this variant is classified as a Variant of Uncertain Significance.

This study involves interpretation of variants in research participants for the purpose of population health screening. Participant phenotype was not available at the time of variant classification. Additional details can be found in publication PMID: 35346344, PMCID: PMC8962531